The following is an entry in ClinVar:

ClinVar aggregate classification (germline): Pathogenic (1 of 4 stars; one submission).

Conditions:
Alport syndrome. Also called: Hemorrhagic familial nephritis; Hemorrhagic hereditary nephritis; Congenital hereditary hematuria. Identifiers: Orphanet 63, MedGen C1567741, MONDO:0018965.

Submission:

Myriad Genetics, Inc.
Classification: Pathogenic for Alport syndrome. Last evaluated: 2025-01-17. Review status: criteria provided, single submitter. Criteria: Myriad Autosomal Dominant, Autosomal Recessive and X-Linked Classification Criteria (2023). Collection method: clinical testing. Allele origin: unknown.
Comment: NM_000091.4(COL4A3):c.2508delG(P837Qfs*46) is expected to be pathogenic in the context of Alport syndrome, COL4A3-related. This variant is predicted to lead to an abnormal or absent protein product due to the creation of a premature termination codon in COL4A3, a gene where loss-of-function variants are known to be pathogenic. Please note: this variant was assessed in the context of healthy population screening.

NM_000091.5(COL4A3):c.2508del (p.Pro837fs)

Genes: COL4A3 (collagen type IV alpha 3 chain; plus strand), MFF-DT (MFF divergent transcript; minus strand). Cytogenetic location: 2q36.3.
Variant type: Deletion.
Coding change: c.2508del on transcript NM_000091.5 (MANE Select); coding-DNA position 2508, one base deleted (G; older notation c.2508delG).
Protein change: p.Pro837fs; shifts the reading frame from proline 837.
Molecular consequence: frameshift variant.
Genome position (GRCh38, 1-based): chr2:227,282,384, G deleted; the last of 4 consecutive G bases (chr2:227,282,381-227,282,384); deleting any one gives the same sequence. VCF-style (leftmost placement, unchanged base first): chr2-227282380-CG-C. GRCh37 (hg19) VCF-style: chr2-228147096-CG-C.
Other names: short protein forms P837fs.
Identifiers: ClinVar variation 5013977 (VCV005013977.1).